The following is an entry in ClinVar:

ClinVar aggregate classification (germline): Uncertain significance (1 of 4 stars; one submission).

Allele frequency attached by ClinVar (database versions not stated): gnomAD exomes below 0.00001; ExAC 0.00001.

Submission:

Labcorp Genetics (formerly Invitae), Labcorp
Classification: Uncertain significance. Last evaluated: 2024-09-03. Review status: criteria provided, single submitter. Criteria: Invitae Variant Classification Sherloc (09022015). Collection method: clinical testing. Allele origin: germline.
Comment: This sequence change creates a premature translational stop signal (p.Pro162*) in the ANKZF1 gene. It is expected to result in an absent or disrupted protein product. However, the current clinical and genetic evidence is not sufficient to establish whether loss-of-function variants in ANKZF1 cause disease. This variant is present in population databases (rs754026129, gnomAD 0.0009%). This variant has not been reported in the literature in individuals affected with ANKZF1-related conditions. Algorithms developed to predict the effect of sequence changes on RNA splicing suggest that this variant may disrupt the consensus splice site. In summary, the available evidence is currently insufficient to determine the role of this variant in disease. Therefore, it has been classified as a Variant of Uncertain Significance.

NM_018089.3(ANKZF1):c.483_484insTAAA (p.Pro162Ter)

Gene: ANKZF1 (ankyrin repeat and zinc finger peptidyl tRNA hydrolase 1; plus strand). Cytogenetic location: 2q35.
Variant type: Insertion.
Coding change: c.483_484insTAAA on transcript NM_018089.3 (MANE Select); coding-DNA positions 483 to 484, TAAA inserted.
Protein change: p.Pro162Ter; replaces proline 162 with a stop codon.
Molecular consequence: nonsense. On other transcripts: 5 prime UTR variant (1).
Genome position: GRCh38 VCF-style: chr2-219232608-C-CTAAA. GRCh37 (hg19) VCF-style: chr2-220097330-C-CTAAA.
Other names: c.483_484insTAAA, p.Pro162Ter (NM_001042410.2); c.-148_-147insTAAA (NM_001282792.2); short protein forms P162*.
Identifiers: ClinVar variation 2756080 (VCV002756080.3), dbSNP rs754026129, ClinGen allele CA2120761.